The following is an entry in ClinVar:

NM_016474.5(CCDC174):c.455T>G (p.Ile152Ser)

Gene: CCDC174 (coiled-coil domain containing 174; plus strand). Cytogenetic location: 3p25.1.
Variant type: single nucleotide variant.
Coding change: c.455T>G on transcript NM_016474.5 (MANE Select); coding-DNA position 455, T replaced by G.
Protein change: p.Ile152Ser; replaces isoleucine 152 with serine.
Molecular consequence: missense variant. On other transcripts: non-coding transcript variant (1).
Genome position (GRCh38, 1-based): chr3:14,661,677, T>G. VCF-style: chr3-14661677-T-G. GRCh37 (hg19) VCF-style: chr3-14703184-T-G.
Other names: c.455T>G, p.Ile152Ser (NM_001410719.1); short protein forms I152S.
Identifiers: ClinVar variation 5039276 (VCV005039276.1).

ClinVar aggregate classification (germline): Likely benign (1 of 4 stars; one submission).

gnomAD v4.1: 811 of 1,613,898 alleles (0.05%); highest among the groups gnomAD compares: South Asian, 0.83%; 14 homozygotes.

Submission:

CeGaT Center for Human Genetics Tuebingen
Classification: Likely benign. Last evaluated: 2026-07-01. Review status: criteria provided, single submitter. Criteria: CeGaT Center For Human Genetics Tuebingen Variant Classification Criteria Version 2. Collection method: clinical testing. Allele origin: germline. Affected: yes. Observed: 1 variant allele.
Comment: CCDC174: BP4, BS2